The following is an entry in ClinVar:

NM_000742.4(CHRNA2):c.1018A>T (p.Thr340Ser)

Gene: CHRNA2 (cholinergic receptor nicotinic alpha 2 subunit; minus strand). Cytogenetic location: 8p21.2.
Variant type: single nucleotide variant.
Coding change: c.1018A>T on transcript NM_000742.4 (MANE Select); coding-DNA position 1018, A replaced by T.
Protein change: p.Thr340Ser; replaces threonine 340 with serine.
Molecular consequence: missense variant.
Genome position (GRCh38, 1-based): chr8:27,463,425, T>A on the plus strand (A>T on the coding strand, the complement: CHRNA2 is on the minus strand). VCF-style: chr8-27463425-T-A. GRCh37 (hg19) VCF-style: chr8-27320942-T-A.
Other names: c.973A>T, p.Thr325Ser (NM_001282455.2); c.541A>T, p.Thr181Ser (NM_001347705.2, NM_001347706.2); c.424A>T, p.Thr142Ser (NM_001347707.2, NM_001347708.2); short protein forms T181S, T142S, T340S, T325S.
Identifiers: ClinVar variation 843608 (VCV000843608.7), dbSNP rs1586390027, ClinGen allele CA370809796.

ClinVar aggregate classification (germline): Uncertain significance. Review status: criteria provided, multiple submitters, no conflicts (2 of 4 stars). 2 submissions from 2 submitters: Uncertain significance (2). Last evaluated 2025-02-18.

Conditions:
Familial sleep-related hypermotor epilepsy. Also called: Autosomal Dominant Sleep-Related Hypermotor (Hyperkinetic) Epilepsy. Identifiers: Orphanet 98784, MedGen C3696898, MONDO:0000030.

Submissions (2):

GeneDx
Classification: Uncertain significance. Last evaluated: 2025-02-18. Review status: criteria provided, single submitter. Criteria: GeneDx Variant Classification Process June 2021. Collection method: clinical testing. Allele origin: germline. Affected: yes.
Comment: Not observed at significant frequency in large population cohorts (gnomAD); In silico analysis supports that this missense variant has a deleterious effect on protein structure/function; Has not been previously published as pathogenic or benign to our knowledge

Labcorp Genetics (formerly Invitae), Labcorp
Classification: Uncertain significance. Last evaluated: 2019-12-19. Review status: criteria provided, single submitter. Criteria: Invitae Variant Classification Sherloc (09022015). Collection method: clinical testing. Allele origin: germline.
Comment: Algorithms developed to predict the effect of missense changes on protein structure and function are either unavailable or do not agree on the potential impact of this missense change (SIFT: "Tolerated"; PolyPhen-2: "Probably Damaging"; Align-GVGD: "Class C0"). This variant has not been reported in the literature in individuals with CHRNA2-related conditions. This variant is not present in population databases (ExAC no frequency). This sequence change replaces threonine with serine at codon 340 of the CHRNA2 protein (p.Thr340Ser). The threonine residue is highly conserved and there is a small physicochemical difference between threonine and serine. In summary, the available evidence is currently insufficient to determine the role of this variant in disease. Therefore, it has been classified as a Variant of Uncertain Significance.